The following is an entry in ClinVar:

ClinVar aggregate classification (germline): Likely benign. Review status: criteria provided, multiple submitters, no conflicts (2 of 4 stars). 3 submissions from 3 submitters: Likely benign (3). Last evaluated 2024-06-11.

Conditions:
Intellectual developmental disorder, X-linked, syndromic, Raymond type. Also called: Syndromic X-linked intellectual disability Raymond type. Identifiers: MedGen C3275406, MONDO:0010427, OMIM 300799.

Allele frequency attached by ClinVar (database versions not stated): gnomAD 0.00001; TOPMed 0.00001.
gnomAD v4.1: 19 of 1,201,561 alleles (0.0016%); highest among the groups gnomAD compares: Non-Finnish European, 0.0021%; no homozygotes.

Submissions (3):

Labcorp Genetics (formerly Invitae), Labcorp
Classification: Likely benign for Intellectual developmental disorder, X-linked, syndromic, Raymond type. Last evaluated: 2024-06-11. Review status: criteria provided, single submitter. Criteria: Invitae Variant Classification Sherloc (09022015). Collection method: clinical testing. Allele origin: germline.

Blueprint Genetics
Classification: Likely benign. Last evaluated: 2024-03-13. Review status: criteria provided, single submitter. Criteria: ACMG Guidelines, 2015. Collection method: clinical testing. Allele origin: germline.

CeGaT Center for Human Genetics Tuebingen
Classification: Likely benign. Last evaluated: 2023-03-01. Review status: criteria provided, single submitter. Criteria: CeGaT Center For Human Genetics Tuebingen Variant Classification Criteria Version 2. Collection method: clinical testing. Allele origin: germline. Affected: yes. Observed: 1 variant allele.
Comment: ZDHHC9: BP4, BP7

NM_016032.4(ZDHHC9):c.981C>T (p.Ala327=)

Gene: ZDHHC9 (zDHHC palmitoyltransferase 9; minus strand). Cytogenetic location: Xq26.1.
Variant type: single nucleotide variant.
Coding change: c.981C>T on transcript NM_016032.4 (MANE Select); coding-DNA position 981, C replaced by T.
Protein change: p.Ala327=; no amino-acid change (alanine 327 retained).
Molecular consequence: synonymous variant.
Genome position (GRCh38, 1-based): chrX:129,806,484, G>A on the plus strand (C>T on the coding strand, the complement: ZDHHC9 is on the minus strand). VCF-style: chrX-129806484-G-A. GRCh37 (hg19) VCF-style: chrX-128940460-G-A.
Other names: c.981C>T, p.Ala327= (NM_001008222.3).
Identifiers: ClinVar variation 1672341 (VCV001672341.32), dbSNP rs1429612573, ClinGen allele CA518477231.